The following is an entry in ClinVar:

NM_005381.3(NUCLEOLIN):c.984C>T (p.Ser328=)

Gene: NUCLEOLIN (nucleolin multifunctional protein; minus strand). Cytogenetic location: 2q37.1.
Variant type: single nucleotide variant.
Coding change: c.984C>T on transcript NM_005381.3 (MANE Select); coding-DNA position 984, C replaced by T.
Protein change: p.Ser328=; no amino-acid change (serine 328 retained).
Molecular consequence: synonymous variant.
Genome position (GRCh38, 1-based): chr2:231,460,208, G>A on the plus strand (C>T on the coding strand, the complement: NUCLEOLIN is on the minus strand). VCF-style: chr2-231460208-G-A. GRCh37 (hg19) VCF-style: chr2-232324919-G-A.
Identifiers: ClinVar variation 718933 (VCV000718933.28), dbSNP rs144610202, ClinGen allele CA2161504.

ClinVar aggregate classification (germline): Likely benign. Review status: criteria provided, multiple submitters, no conflicts (2 of 4 stars). 3 submissions from 3 submitters: Likely benign (3). Last evaluated 2024-02-01.

Allele frequency attached by ClinVar (database versions not stated): 1000 Genomes Project 30x 0.00016; 1000 Genomes Project 0.00020; ExAC 0.00074; gnomAD exomes 0.00078; gnomAD 0.00079 and 0.00097; TOPMed 0.00092; ESP Exome Variant Server 0.00146.
gnomAD v4.1: 1,896 of 1,614,040 alleles (0.12%); highest among the groups gnomAD compares: Non-Finnish European, 0.15%; no homozygotes.

Submissions (3):

CeGaT Center for Human Genetics Tuebingen
Classification: Likely benign. Last evaluated: 2024-02-01. Review status: criteria provided, single submitter. Criteria: CeGaT Center For Human Genetics Tuebingen Variant Classification Criteria Version 2. Collection method: clinical testing. Allele origin: germline. Affected: yes. Observed: 1 variant allele.
Comment: NUCLEOLIN: BP4, BP7

Labcorp Genetics (formerly Invitae), Labcorp
Classification: Likely benign. Last evaluated: 2017-12-04. Review status: criteria provided, single submitter. Criteria: Invitae Variant Classification Sherloc (09022015). Collection method: clinical testing. Allele origin: germline.

Breakthrough Genomics
Classification: Likely benign. Review status: criteria provided, single submitter. Criteria: ACMG Guidelines, 2015. Collection method: not provided. Allele origin: germline. Inheritance: Unknown mechanism. Affected: yes.